The following is an entry in ClinVar:

NM_002585.4(PBX1):c.698C>T (p.Ala233Val)

Gene: PBX1 (PBX homeobox 1; plus strand). Cytogenetic location: 1q23.3.
Variant type: single nucleotide variant.
Coding change: c.698C>T on transcript NM_002585.4 (MANE Select); coding-DNA position 698, C replaced by T.
Protein change: p.Ala233Val; replaces alanine 233 with valine.
Molecular consequence: missense variant.
Genome position (GRCh38, 1-based): chr1:164,799,886, C>T. VCF-style: chr1-164799886-C-T. GRCh37 (hg19) VCF-style: chr1-164769123-C-T.
Other names: c.698C>T, p.Ala233Val (NM_001204961.2, NM_001204963.2, NM_001353131.2); c.449C>T, p.Ala150Val (NM_001353130.1); short protein forms A150V, A233V.
Identifiers: ClinVar variation 3364801 (VCV003364801.2).

ClinVar aggregate classification (germline): Uncertain significance (1 of 4 stars; one submission).

Submission:

GeneDx
Classification: Uncertain significance. Last evaluated: 2026-08-22. Review status: criteria provided, single submitter. Criteria: GeneDx Variant Classification Process June 2021. Collection method: clinical testing. Allele origin: germline.
Comment: Not observed at significant frequency in large population cohorts (gnomAD); In silico analysis supports that this missense variant has a deleterious effect on protein structure/function; Has not been previously published as pathogenic or benign to our knowledge.